The following is an entry in ClinVar:

ClinVar aggregate classification (germline): Likely benign. Review status: criteria provided, single submitter (1 of 4 stars). 2 submissions from 2 submitters: Likely benign (1). 1 of the submissions does not count toward it. Last evaluated 2022-11-01.

Conditions:
PRRC2A-related disorder. Also called: PRRC2A-related condition.

Allele frequency attached by ClinVar (database versions not stated): 1000 Genomes Project 30x 0.00078; 1000 Genomes Project 0.00100; ExAC 0.00265; gnomAD 0.00273; ESP Exome Variant Server 0.00297; gnomAD exomes 0.00358.
gnomAD v4.1: 5,624 of 1,612,994 alleles (0.35%); highest among the groups gnomAD compares: Non-Finnish European, 0.43%; 15 homozygotes.

Submissions (2):

CeGaT Center for Human Genetics Tuebingen
Classification: Likely benign. Last evaluated: 2022-11-01. Review status: criteria provided, single submitter. Criteria: CeGaT Center For Human Genetics Tuebingen Variant Classification Criteria Version 2. Collection method: clinical testing. Allele origin: germline. Affected: yes. Observed: 3 variant alleles.
Comment: PRRC2A: BP4, BP7, BS2

PreventionGenetics, part of Exact Sciences
Classification: Likely benign for PRRC2A-related condition. Last evaluated: 2019-04-12. Review status: no assertion criteria provided. Collection method: clinical testing. Allele origin: germline. Not counted in ClinVar's aggregate classification.
Comment: This variant is classified as likely benign based on ACMG/AMP sequence variant interpretation guidelines (Richards et al. 2015 PMID: 25741868, with internal and published modifications).

NM_004638.4(PRRC2A):c.3582C>G (p.Pro1194=)

Gene: PRRC2A (proline rich coiled-coil 2A; plus strand). Cytogenetic location: 6p21.33.
Variant type: single nucleotide variant.
Coding change: c.3582C>G on transcript NM_004638.4 (MANE Select); coding-DNA position 3582, C replaced by G.
Protein change: p.Pro1194=; no amino-acid change (proline 1194 retained).
Molecular consequence: synonymous variant.
Genome position (GRCh38, 1-based): chr6:31,632,255, C>G. VCF-style: chr6-31632255-C-G. GRCh37 (hg19) VCF-style: chr6-31600032-C-G.
Other names: c.3582C>G (NM_080686.2); c.3582C>G, p.Pro1194= (NM_080686.3).
Identifiers: ClinVar variation 2656406 (VCV002656406.25), dbSNP rs150151816, ClinGen allele CA3715968.